The following is an entry in ClinVar:

ClinVar aggregate classification (germline): Likely pathogenic (1 of 4 stars; one submission).

Conditions:
Cenani-Lenz syndactyly syndrome. Also called: CENANI SYNDACTYLISM; SYNDACTYLY, TYPE VII. Identifiers: Orphanet 3258, MedGen C1859309, MONDO:0008931, OMIM 212780.
Congenital myasthenic syndrome 17. Identifiers: Orphanet 590, MedGen C4225377, MONDO:0014578, OMIM 616304.
Sclerosteosis 2 (SOST2). Identifiers: Orphanet 3152, MedGen C3280402, MONDO:0013679, OMIM 614305.

Allele frequency attached by ClinVar (database versions not stated): gnomAD exomes 0.00001.

Submission:

Labcorp Genetics (formerly Invitae), Labcorp
Classification: Likely pathogenic for Cenani-Lenz syndactyly syndrome; Sclerosteosis 2; Congenital myasthenic syndrome 17. Last evaluated: 2023-10-05. Review status: criteria provided, single submitter. Criteria: Invitae Variant Classification Sherloc (09022015). Collection method: clinical testing. Allele origin: germline.
Comment: This sequence change affects an acceptor splice site in intron 18 of the LRP4 gene. It is expected to disrupt RNA splicing. Variants that disrupt the donor or acceptor splice site typically lead to a loss of protein function (PMID: 16199547), and loss-of-function variants in LRP4 are known to be pathogenic (PMID: 23636941, 24924585). This variant is not present in population databases (gnomAD no frequency). This variant has not been reported in the literature in individuals affected with LRP4-related conditions. Algorithms developed to predict the effect of sequence changes on RNA splicing suggest that this variant may disrupt the consensus splice site. In summary, the currently available evidence indicates that the variant is pathogenic, but additional data are needed to prove that conclusively. Therefore, this variant has been classified as Likely Pathogenic.

Literature cited by the submitters: PubMed 16199547; PubMed 23636941; PubMed 24924585.

NM_002334.4(LRP4):c.2507-1G>A

Gene: LRP4 (LDL receptor related protein 4; minus strand). Cytogenetic location: 11p11.2.
Variant type: single nucleotide variant.
Coding change: c.2507-1G>A on transcript NM_002334.4 (MANE Select); the canonical splice acceptor site of the intron before coding-DNA position 2507, G replaced by A.
Molecular consequence: splice acceptor variant.
Genome position (GRCh38, 1-based): chr11:46,883,977, C>T on the plus strand (G>A on the coding strand, the complement: LRP4 is on the minus strand). VCF-style: chr11-46883977-C-T. GRCh37 (hg19) VCF-style: chr11-46905528-C-T.
Identifiers: ClinVar variation 2948041 (VCV002948041.3), dbSNP rs2539746175, ClinGen allele CA380279581.